The following is an entry in ClinVar:

NM_014804.3(KIAA0753):c.691C>T (p.His231Tyr)

Gene: KIAA0753 (KIAA0753; minus strand). Cytogenetic location: 17p13.1.
Variant type: single nucleotide variant.
Coding change: c.691C>T on transcript NM_014804.3 (MANE Select); coding-DNA position 691, C replaced by T.
Protein change: p.His231Tyr; replaces histidine 231 with tyrosine.
Molecular consequence: missense variant. On other transcripts: 5 prime UTR variant (1), non-coding transcript variant (3).
Genome position (GRCh38, 1-based): chr17:6,628,144, G>A on the plus strand (C>T on the coding strand, the complement: KIAA0753 is on the minus strand). VCF-style: chr17-6628144-G-A. GRCh37 (hg19) VCF-style: chr17-6531464-G-A.
Other names: c.-544C>T (NM_001351225.2); c.691C>T (NM_014804.2); short protein forms H231Y.
Identifiers: ClinVar variation 1346067 (VCV001346067.9), dbSNP rs199986970, ClinGen allele CA8330728.

ClinVar aggregate classification (germline): Conflicting classifications of pathogenicity. Review status: criteria provided, conflicting classifications (1 of 4 stars). 5 submissions from 5 submitters: Uncertain significance (2); Likely benign (3). Last evaluated 2025-09-16.

Conditions:
KIAA0753-related disorder.
Inborn genetic diseases. Identifiers: MedGen C0950123, MeSH D030342.

Allele frequency attached by ClinVar (database versions not stated): gnomAD exomes 0.00005 and 0.00013; ExAC 0.00014; 1000 Genomes Project 30x 0.00016; 1000 Genomes Project 0.00020; ESP Exome Variant Server 0.00050; gnomAD 0.00054 and 0.00059; TOPMed 0.00054.
gnomAD v4.1: 161 of 1,612,724 alleles (0.01%); highest among the groups gnomAD compares: African/African-American, 0.19%; no homozygotes.

Submissions (5):

GeneDx
Classification: Uncertain significance. Last evaluated: 2025-09-16. Review status: criteria provided, single submitter. Criteria: GeneDx Variant Classification Process June 2021. Collection method: clinical testing. Allele origin: germline.
Comment: In silico analysis suggests that this missense variant does not alter protein structure/function; Has not been previously published as pathogenic or benign to our knowledge

PreventionGenetics, part of Exact Sciences
Classification: Likely benign for KIAA0753-related condition. Last evaluated: 2024-11-25. Review status: criteria provided, single submitter. Criteria: ACMG Guidelines, 2015. Collection method: clinical testing. Allele origin: germline.
Comment: This variant is classified as likely benign based on ACMG/AMP sequence variant interpretation guidelines (Richards et al. 2015 PMID: 25741868, with internal and published modifications).

Labcorp Genetics (formerly Invitae), Labcorp
Classification: Uncertain significance. Last evaluated: 2024-10-24. Review status: criteria provided, single submitter. Criteria: Invitae Variant Classification Sherloc (09022015). Collection method: clinical testing. Allele origin: germline.
Comment: This sequence change replaces histidine, which is basic and polar, with tyrosine, which is neutral and polar, at codon 231 of the KIAA0753 protein (p.His231Tyr). This variant is present in population databases (rs199986970, gnomAD 0.2%). This variant has not been reported in the literature in individuals affected with KIAA0753-related conditions. ClinVar contains an entry for this variant (Variation ID: 1346067). An algorithm developed to predict the effect of missense changes on protein structure and function (PolyPhen-2) suggests that this variant¬†is likely to be tolerated. In summary, the available evidence is currently insufficient to determine the role of this variant in disease. Therefore, it has been classified as a Variant of Uncertain Significance.

Ambry Genetics
Classification: Likely benign for Inborn genetic diseases. Last evaluated: 2024-07-31. Review status: criteria provided, single submitter. Criteria: Ambry Variant Classification Scheme 2023. Collection method: clinical testing. Allele origin: germline.

Blueprint Genetics
Classification: Likely benign. Last evaluated: 2024-04-11. Review status: criteria provided, single submitter. Criteria: ACMG Guidelines, 2015. Collection method: clinical testing. Allele origin: germline.